The following is an entry in ClinVar:

NM_005027.4(PIK3R2):c.1948A>G (p.Ser650Gly)

Gene: PIK3R2 (phosphoinositide-3-kinase regulatory subunit 2; plus strand). Cytogenetic location: 19p13.11.
Variant type: single nucleotide variant.
Coding change: c.1948A>G on transcript NM_005027.4 (MANE Select); coding-DNA position 1948, A replaced by G.
Protein change: p.Ser650Gly; replaces serine 650 with glycine.
Molecular consequence: missense variant. On other transcripts: non-coding transcript variant (2).
Genome position (GRCh38, 1-based): chr19:18,168,865, A>G. VCF-style: chr19-18168865-A-G. GRCh37 (hg19) VCF-style: chr19-18279675-A-G.
Other names: c.1948A>G, p.Ser650Gly (LRG_1392t1); short protein forms S650G.
Identifiers: ClinVar variation 431911 (VCV000431911.2), dbSNP rs1555815238, ClinGen allele CA404815883.

ClinVar aggregate classification (germline): Likely pathogenic (1 of 4 stars; one submission).

Submission:

GeneDx
Classification: Likely pathogenic. Last evaluated: 2015-10-08. Review status: criteria provided, single submitter. Criteria: GeneDx Variant Classification (06012015). Collection method: clinical testing. Allele origin: germline. Affected: yes.
Comment: The S650G variant in the S650G gene has not been published as a pathogenic variant, nor has it been reported as a benign polymorphism to our knowledge. The S650G variant was not observed in approximately 6,500 individuals of European and African American ancestry in the NHLBI Exome Sequencing Project, indicating it is not a common benign variant in these populations. The S650G variant is a non-conservative amino acid substitution, which is likely to impact secondary protein structure as these residues differ in polarity, charge, size and/or other properties. This substitution occurs at a position where amino acids with similar properties to Serine are tolerated across species. In silico analysis predicts this variant is probably damaging to the protein structure/function. The S650G variant is a strong candidate for a pathogenic variant. However the possibility that S650G may be a rare benign variant cannot be excluded.